The following is an entry in ClinVar:

NM_000088.4(COL1A1):c.432_458del (p.143PPG[1])

Gene: COL1A1 (collagen type I alpha 1 chain; minus strand). Cytogenetic location: 17q21.33.
Variant type: Deletion.
Coding change: c.432_458del on transcript NM_000088.4 (MANE Select); coding-DNA positions 432 to 458, 27 bases deleted (CGGACCCCCCGGACCTCCCGGACCCCC).
Protein change: p.143PPG[1].
Molecular consequence: inframe deletion.
Genome position (GRCh38, 1-based): chr17:50,199,239-50,199,265, GGGGGTCCGGGAGGTCCGGGGGGTCCG deleted on the plus strand (CGGACCCCCCGGACCTCCCGGACCCCC on the coding strand, the reverse complement: COL1A1 is on the minus strand); deleting any 27 consecutive bases within chr17:50,199,239-50,199,277 gives the same sequence; the c. name uses the placement nearest the transcript's 3' end. VCF-style (leftmost placement, unchanged base first): chr17-50199238-AGGGGGTCCGGGAGGTCCGGGGGGTCCG-A. GRCh37 (hg19) VCF-style: chr17-48276599-AGGGGGTCCGGGAGGTCCGGGGGGTCCG-A.
Identifiers: ClinVar variation 1432578 (VCV001432578.8), dbSNP rs2144590892, ClinGen allele CA2573154235.

ClinVar aggregate classification (germline): Uncertain significance (1 of 4 stars; one submission).

Conditions:
Osteogenesis imperfecta type I (OI1). Also called: Classic Non-deforming Osteogenesis Imperfecta with Blue Sclerae; Lobstein's Disease; Lobstein disease; OI, TYPE I; OSTEOGENESIS IMPERFECTA TARDA; OSTEOGENESIS IMPERFECTA WITH BLUE SCLERAE. Identifiers: Orphanet 216796, Orphanet 666, MedGen C0023931, MONDO:0008146, OMIM 166200. Disease mechanism: loss of function.

Submission:

Labcorp Genetics (formerly Invitae), Labcorp
Classification: Uncertain significance for Osteogenesis imperfecta type I. Last evaluated: 2021-07-12. Review status: criteria provided, single submitter. Criteria: Invitae Variant Classification Sherloc (09022015). Collection method: clinical testing. Allele origin: germline.
Comment: In summary, the available evidence is currently insufficient to determine the role of this variant in disease. Therefore, it has been classified as a Variant of Uncertain Significance. Experimental studies and prediction algorithms are not available or were not evaluated, and the functional significance of this variant is currently unknown. This variant has not been reported in the literature in individuals with COL1A1-related conditions. The frequency data for this variant in the population databases is considered unreliable, as metrics indicate insufficient coverage at this position in the ExAC database. This variant, c.432_458del, results in the deletion of 9 amino acid(s) of the COL1A1 protein (p.Pro146_Gly154del), but otherwise preserves the integrity of the reading frame.